The following is an entry in ClinVar:

ClinVar aggregate classification (germline): Likely pathogenic (1 of 4 stars; one submission).

Conditions:
Inborn genetic diseases. Identifiers: MedGen C0950123, MeSH D030342.

Submission:

Ambry Genetics
Classification: Likely pathogenic for Inborn genetic diseases. Last evaluated: 2026-07-01. Review status: criteria provided, single submitter. Criteria: Ambry Variant Classification Scheme 2023. Collection method: clinical testing. Allele origin: germline.
Comment: The c.121delT (p.C41Vfs*9) alteration, located in exon 3 (coding exon 1) of the CHAMP1 gene, consists of a deletion of one nucleotide at position 121, causing a translational frameshift with a predicted alternate stop codon after 9 amino acids. The predicted stop codon occurs in the 5' end of the CHAMP1 gene. Premature termination codons in the 5&rsquo; end of a gene have been reported to escape nonsense-mediated mRNA decay and/or lead to re-initiation (Rivas, 2015; Lindeboom, 2016; Rhee, 2017). Direct evidence for this variant is unavailable; however, premature termination codons are typically deleterious in nature. This variant was not reported in population-based cohorts in the Genome Aggregation Database (gnomAD). Based on the available evidence, this alteration is classified as likely pathogenic.

NM_032436.4(CHAMP1):c.121del (p.Cys41fs)

Gene: CHAMP1 (chromosome alignment maintaining phosphoprotein 1; plus strand). Cytogenetic location: 13q34.
Variant type: Deletion.
Coding change: c.121del on transcript NM_032436.4 (MANE Select); coding-DNA position 121, one base deleted (T; older notation c.121delT).
Protein change: p.Cys41fs; shifts the reading frame from cysteine 41.
Molecular consequence: frameshift variant.
Genome position (GRCh38, 1-based): chr13:114,323,963, T deleted; the last of 4 consecutive T bases (chr13:114,323,960-114,323,963); deleting any one gives the same sequence. VCF-style (leftmost placement, unchanged base first): chr13-114323959-AT-A. GRCh37 (hg19) VCF-style: chr13-115089434-AT-A.
Other names: c.121del, p.Cys41fs (NM_001164144.3, NM_001164145.3); short protein forms C41fs.
Identifiers: ClinVar variation 5034493 (VCV005034493.1).